The following is an entry in ClinVar:

NM_031407.7(HUWE1):c.4660C>T (p.Leu1554Phe)

Gene: HUWE1 (HECT, UBA and WWE domain containing E3 ubiquitin protein ligase 1; minus strand). Cytogenetic location: Xp11.22.
Variant type: single nucleotide variant.
Coding change: c.4660C>T on transcript NM_031407.7 (MANE Select); coding-DNA position 4660, C replaced by T.
Protein change: p.Leu1554Phe; replaces leucine 1554 with phenylalanine.
Molecular consequence: missense variant.
Genome position (GRCh38, 1-based): chrX:53,586,864, G>A on the plus strand (C>T on the coding strand, the complement: HUWE1 is on the minus strand). VCF-style: chrX-53586864-G-A. GRCh37 (hg19) VCF-style: chrX-53613824-G-A.
Other names: short protein forms L1554F.
Identifiers: ClinVar variation 3361911 (VCV003361911.1).

ClinVar aggregate classification (germline): Uncertain significance (1 of 4 stars; one submission).

Submission:

GeneDx
Classification: Uncertain significance. Last evaluated: 2023-08-02. Review status: criteria provided, single submitter. Criteria: GeneDx Variant Classification Process June 2021. Collection method: clinical testing. Allele origin: germline. Affected: yes.
Comment: Not observed at significant frequency in large population cohorts (gnomAD); In silico analysis supports that this missense variant does not alter protein structure/function; Has not been previously published as pathogenic or benign to our knowledge